The following is an entry in ClinVar:

NM_000161.3(GCH1):c.607G>C (p.Gly203Arg)

Gene: GCH1 (GTP cyclohydrolase 1; minus strand). Cytogenetic location: 14q22.2.
Variant type: single nucleotide variant.
Coding change: c.607G>C on transcript NM_000161.3 (MANE Select); coding-DNA position 607, G replaced by C.
Protein change: p.Gly203Arg; replaces glycine 203 with arginine.
Molecular consequence: missense variant. On other transcripts: intron variant (1).
Genome position (GRCh38, 1-based): chr14:54,845,787, C>G on the plus strand (G>C on the coding strand, the complement: GCH1 is on the minus strand). VCF-style: chr14-54845787-C-G. GRCh37 (hg19) VCF-style: chr14-55312505-C-G.
Other names: c.607G>C, p.Gly203Arg (NM_001024024.2, NM_001024070.2, NM_001024071.2); c.313G>C, p.Gly105Arg (NM_001424105.1); c.510-2733G>C (NM_001424104.1); short protein forms G105R, G203R.
Identifiers: ClinVar variation 4293619 (VCV004293619.1).

ClinVar aggregate classification (germline): Pathogenic (1 of 4 stars; one submission).

Conditions:
Dystonia 5 (DRD). Also called: DYT-GCH1; DYSTONIA, PROGRESSIVE, WITH DIURNAL VARIATION; DYSTONIA-PARKINSONISM WITH DIURNAL FLUCTUATION; GTP Cyclohydrolase 1-Deficient Dopa-Responsive Dystonia; Dystonia, DOPA-responsive, with or without hyperphenylalaninemia. Identifiers: Orphanet 98808, MedGen C1851920, MONDO:0007495, OMIM 128230.

Submission:

3billion
Classification: Pathogenic for Dystonia 5. Last evaluated: 2024-11-15. Review status: criteria provided, single submitter. Criteria: ACMG Guidelines, 2015. Collection method: clinical testing. Allele origin: germline. Affected: yes.
Comment: The variant is not observed in the gnomAD v4.1.0 dataset. Predicted Consequence/Location: Missense variant In silico tool predictions suggest damaging effect of the variant on gene or gene product [REVEL: 0.92 (>=0.6, sensitivity 0.68 and specificity 0.92); 3Cnet: 0.95 (>=0.6, sensitivity 0.72 and precision 0.9)]. The different nucleotide change resulting in the same amino acid change has been previously reported as pathogenic/likely pathogenic with strong evidence (ClinVar ID: VCV000381665 /PMID: 8852666 /3billion dataset). The variant has been observed in multiple (>3) similarly affected unrelated individuals (PMID: 20108370, 20491893, 23211702). Therefore, this variant is classified as Pathogenic according to the recommendation of ACMG/AMP guideline.

Literature cited by the submitters: PubMed 23211702; PubMed 20491893; PubMed 20108370; PubMed 8852666.